The following is an entry in ClinVar:

NM_000275.3(OCA2):c.1193T>C (p.Val398Ala)

Gene: OCA2 (OCA2 melanosomal transmembrane protein; minus strand). Cytogenetic location: 15q13.1.
Variant type: single nucleotide variant.
Coding change: c.1193T>C on transcript NM_000275.3 (MANE Select); coding-DNA position 1193, T replaced by C.
Protein change: p.Val398Ala; replaces valine 398 with alanine.
Molecular consequence: missense variant.
Genome position (GRCh38, 1-based): chr15:27,986,633, A>G on the plus strand (T>C on the coding strand, the complement: OCA2 is on the minus strand). VCF-style: chr15-27986633-A-G. GRCh37 (hg19) VCF-style: chr15-28231779-A-G.
Other names: c.1121T>C, p.Val374Ala (NM_001300984.2); short protein forms V374A, V398A.
Identifiers: ClinVar variation 3629876 (VCV003629876.1).

ClinVar aggregate classification (germline): Uncertain significance (1 of 4 stars; one submission).

Submission:

Women's Health and Genetics/Laboratory Corporation of America, LabCorp
Classification: Uncertain significance. Last evaluated: 2024-11-01. Review status: criteria provided, single submitter. Criteria: LabCorp Variant Classification Summary - May 2015. Collection method: clinical testing. Allele origin: germline.
Comment: Variant summary: OCA2 c.1193T>C (p.Val398Ala) results in a non-conservative amino acid change located in the Citrate transporter-like domain (IPR004680) of the encoded protein sequence. Five of five in-silico tools predict a damaging effect of the variant on protein function. The frequency data for this variant in gnomAD is considered unreliable, as metrics indicate poor data quality at this position. c.1193T>C has been reported in the literature in a heterozygous individual affected with Oculocutaneous Albinism without second allele change detected in this individual (Wei_2011). These report(s) do not provide unequivocal conclusions about association of the variant with Oculocutaneous Albinism. To our knowledge, no experimental evidence demonstrating an impact on protein function has been reported. The following publication have been ascertained in the context of this evaluation (PMID: 21458243). No submitters have cited clinical-significance assessments for this variant to ClinVar. Based on the evidence outlined above, the variant was classified as uncertain significance.

Literature cited by the submitters: PubMed 21458243.